The following is an entry in ClinVar:

NM_000038.6(APC):c.6715A>C (p.Ser2239Arg)

Gene: APC (APC regulator of Wnt signaling pathway; plus strand). Cytogenetic location: 5q22.2.
Variant type: single nucleotide variant.
Coding change: c.6715A>C on transcript NM_000038.6 (MANE Select); coding-DNA position 6715, A replaced by C.
Protein change: p.Ser2239Arg; replaces serine 2239 with arginine.
Molecular consequence: missense variant. On other transcripts: non-coding transcript variant (2).
Genome position (GRCh38, 1-based): chr5:112,842,309, A>C. VCF-style: chr5-112842309-A-C. GRCh37 (hg19) VCF-style: chr5-112178006-A-C.
Other names: c.6715A>C, p.Ser2239Arg (NM_001127510.3, NM_001354895.2, NM_001407450.1); c.6661A>C, p.Ser2221Arg (NM_001127511.3); c.6769A>C, p.Ser2257Arg (NM_001354896.2, NM_001407447.1, NM_001407448.1 and 1 more transcripts); c.6745A>C, p.Ser2249Arg (NM_001354897.2); c.6640A>C, p.Ser2214Arg (NM_001354898.2); c.6631A>C, p.Ser2211Arg (NM_001354899.2); c.6592A>C, p.Ser2198Arg (NM_001354900.2); c.6538A>C, p.Ser2180Arg (NM_001354901.2, NM_001407453.1); and 11 more; short protein forms S1855R, S1956R, S2079R, S2110R, S2113R, S2138R, S2148R, S2156R.
Identifiers: ClinVar variation 4082363 (VCV004082363.1).

ClinVar aggregate classification (germline): Uncertain significance (1 of 4 stars; one submission).

Conditions:
Hereditary cancer-predisposing syndrome. Also called: Tumor predisposition; Neoplastic Syndromes, Hereditary; Hereditary neoplastic syndrome; Hereditary Cancer Syndrome. Identifiers: Orphanet 140162, MedGen C0027672, MeSH D009386, MONDO:0015356.

gnomAD v4.1: 1 of 1,613,860 alleles (0.000062%); highest among the groups gnomAD compares: Non-Finnish European, 0.000085%; no homozygotes.

Submission:

Molecular Diagnostics Laboratory, Catalan Institute of Oncology
Classification: Uncertain significance for Hereditary cancer-predisposing syndrome. Last evaluated: 2025-04-07. Review status: criteria provided, single submitter. Criteria: ClinGen ACMG Specifications APC V1.0.0. Collection method: clinical testing. Allele origin: germline.
Comment: BP1, PM2_Supporting c.6715A>C, located in exon 16 of the APC gene, is predicted to result in the substitution of serine by arginine at codon 2239, p.(Ser2239Arg)(BP1). It is not present in the population database gnomAD v2.1.1, non cancer dataset (PM2_Supporting). The SpliceAI algorithm predicts no significant impact on splicing. To our knowledge, functional studies have not been reported for this variant. In addition, the variant has not been reported neither in the ClinVar nor LOVD databases. Based on currently available information, the variant c.6715A>C is classified as an uncertain significant variant according to ClinGen-APC Guidelines version v1.